The following is an entry in ClinVar:

ClinVar aggregate classification (germline): Uncertain significance (1 of 4 stars; one submission).

Submission:

GeneDx
Classification: Uncertain significance. Last evaluated: 2017-05-02. Review status: criteria provided, single submitter. Criteria: GeneDx Variant Classification (06012015). Collection method: clinical testing. Allele origin: germline. Affected: yes.
Comment: A variant of uncertain significance has been identified in the RYR2 gene. The c.14557_14559delTTT variant has not been published as pathogenic or been reported as benign to our knowledge. This variant is not observed in large population cohorts (Lek et al., 2016; 1000 Genomes Consortium et al., 2015; Exome Variant Server). This in-frame deletion results in a deletion of one phenylalanine residue at position 4853 of the RYR2 gene that is conserved across species. However, as this is an in-frame deletion, it is not expected to result in either an abnormal, truncated protein product or loss of protein from this allele through nonsense-mediated mRNA decay.

NM_001035.3(RYR2):c.14557_14559del (p.Phe4853del)

Gene: RYR2 (ryanodine receptor 2; plus strand). Cytogenetic location: 1q43.
Variant type: Deletion.
Coding change: c.14557_14559del on transcript NM_001035.3 (MANE Select); coding-DNA positions 14557 to 14559, 3 bases deleted (TTT; older notation c.14557_14559delTTT).
Protein change: p.Phe4853del; deletes phenylalanine 4853.
Molecular consequence: inframe deletion.
Genome position (GRCh38, 1-based): chr1:237,819,159-237,819,161, TTT deleted. VCF-style (leftmost placement, unchanged base first): chr1-237819158-CTTT-C. GRCh37 (hg19) VCF-style: chr1-237982458-CTTT-C.
Other names: c.14557_14559del, p.Phe4853del (LRG_402t1); short protein forms F4853del.
Identifiers: ClinVar variation 426126 (VCV000426126.2), dbSNP rs1085307458, ClinGen allele CA645293934.
Genomic context (GRCh38, chr1:237,819,158, plus strand): 5'-AGACCCAGCAGGAGATGAATATGAGATCTATCGAATCATCTTTGACATCACTTTCTTCTT[CTTT>C]GTTATTGTCATTCTCTTGGCCATAATACAAGGTAAGTATCCTCCTCACTGAAGCTGATGA-3'